The following is an entry in ClinVar:

ClinVar aggregate classification (germline): Pathogenic (1 of 4 stars; one submission).

Submission:

Labcorp Genetics (formerly Invitae), Labcorp
Classification: Pathogenic. Last evaluated: 2021-12-20. Review status: criteria provided, single submitter. Criteria: Invitae Variant Classification Sherloc (09022015). Collection method: clinical testing. Allele origin: germline.
Comment: This sequence change creates a premature translational stop signal (p.Val55Profs*77) in the FAM20C gene. It is expected to result in an absent or disrupted protein product. Loss-of-function variants in FAM20C are known to be pathogenic (PMID: 17924334, 22615579, 22732358, 23325605, 25026495). This variant is not present in population databases (gnomAD no frequency). This variant has not been reported in the literature in individuals affected with FAM20C-related conditions. For these reasons, this variant has been classified as Pathogenic.

Literature cited by the submitters: PubMed 17924334; PubMed 22615579; PubMed 22732358; PubMed 23325605; PubMed 25026495.

NM_020223.4(FAM20C):c.162_163insCCGAA (p.Val55fs)

Gene: FAM20C (FAM20C golgi associated secretory pathway kinase; plus strand). Cytogenetic location: 7p22.3.
Variant type: Insertion.
Coding change: c.162_163insCCGAA on transcript NM_020223.4 (MANE Select); coding-DNA positions 162 to 163, CCGAA inserted.
Protein change: p.Val55fs; shifts the reading frame from valine 55.
Molecular consequence: frameshift variant.
Genome position: GRCh38 VCF-style: chr7-193361-G-GCCGAA. GRCh37 (hg19) VCF-style: chr7-193361-G-GCCGAA.
Other names: short protein forms V55fs.
Identifiers: ClinVar variation 2050437 (VCV002050437.4), dbSNP rs2534527251, ClinGen allele CA2580076997.
Genomic context (GRCh38, chr7:193,361, plus strand): 5'-GCGACGCGGCGCGCGGCCCTCGGGGGAGCCCGGCTGTTCGTGCGCGCAGCCCGCCGCCGA[G>GCCGAA]GTGGCCGCGCCCGGCTGGGCCCAGGTTCGGGGCCGCCCCGGGGAGCCCCCGGCCGCCTCC-3'